The following is an entry in ClinVar:

NM_005762.3(TRIM28):c.49T>C (p.Ser17Pro)

Genes: TRIM28 (tripartite motif containing 28; plus strand), LOC130065239 (ATAC-STARR-seq lymphoblastoid silent region 11093; plus strand). Cytogenetic location: 19q13.43.
Variant type: single nucleotide variant.
Coding change: c.49T>C on transcript NM_005762.3 (MANE Select); coding-DNA position 49, T replaced by C.
Protein change: p.Ser17Pro; replaces serine 17 with proline.
Molecular consequence: missense variant.
Genome position (GRCh38, 1-based): chr19:58,544,806, T>C. VCF-style: chr19-58544806-T-C. GRCh37 (hg19) VCF-style: chr19-59056173-T-C.
Other names: short protein forms S17P.
Identifiers: ClinVar variation 3638970 (VCV003638970.2).

ClinVar aggregate classification (germline): Uncertain significance (1 of 4 stars; one submission).

gnomAD v4.1: 1 of 1,218,116 alleles (0.000082%); highest among the groups gnomAD compares: Non-Finnish European, 0.0001%; no homozygotes.

Submission:

Labcorp Genetics (formerly Invitae), Labcorp
Classification: Uncertain significance. Last evaluated: 2024-06-11. Review status: criteria provided, single submitter. Criteria: Invitae Variant Classification Sherloc (09022015). Collection method: clinical testing. Allele origin: germline.
Comment: This sequence change replaces serine, which is neutral and polar, with proline, which is neutral and non-polar, at codon 17 of the TRIM28 protein (p.Ser17Pro). The frequency data for this variant in the population databases is considered unreliable, as metrics indicate insufficient coverage at this position in the gnomAD database. This variant has not been reported in the literature in individuals affected with TRIM28-related conditions. Experimental studies and prediction algorithms are not available or were not evaluated, and the functional significance of this variant is currently unknown. In summary, the available evidence is currently insufficient to determine the role of this variant in disease. Therefore, it has been classified as a Variant of Uncertain Significance.